The following is an entry in ClinVar:

ClinVar aggregate classification (germline): Uncertain significance. Review status: criteria provided, single submitter (1 of 4 stars). 2 submissions from 2 submitters: Uncertain significance (1). 1 of the submissions does not count toward it. Last evaluated 2022-07-19.

Conditions:
Neuromuscular disease caused by qualitative or quantitative defects of dysferlin. Also called: Qualitative or quantitative defects of dysferlin; Dysferlinopathy. Identifiers: Orphanet 207073, MedGen C2931687, MONDO:0016145.
Autosomal recessive limb-girdle muscular dystrophy type 2B (LGMDR2). Also called: Limb-girdle muscular dystrophy, type 2B; MUSCULAR DYSTROPHY, LIMB-GIRDLE, TYPE 3; Limb-Girdle Muscular Dystrophy Type 2B (LGMD2B); MUSCULAR DYSTROPHY, LIMB-GIRDLE, AUTOSOMAL RECESSIVE 2. Identifiers: Orphanet 268, MedGen C1850889, MONDO:0009676, OMIM 253601.

Allele frequency attached by ClinVar (database versions not stated): gnomAD exomes below 0.00001.
gnomAD v4.1: 1 of 1,613,990 alleles (0.000062%); highest among the groups gnomAD compares: Admixed American, 0.0017%; no homozygotes.

Submissions (2):

Labcorp Genetics (formerly Invitae), Labcorp
Classification: Uncertain significance for Neuromuscular disease caused by qualitative or quantitative defects of dysferlin. Last evaluated: 2022-07-19. Review status: criteria provided, single submitter. Criteria: Invitae Variant Classification Sherloc (09022015). Collection method: clinical testing. Allele origin: germline.
Comment: This sequence change replaces asparagine, which is neutral and polar, with serine, which is neutral and polar, at codon 1740 of the DYSF protein (p.Asn1740Ser). This variant is not present in population databases (gnomAD no frequency). This variant has not been reported in the literature in individuals affected with DYSF-related conditions. ClinVar contains an entry for this variant (Variation ID: 655046). Advanced modeling of protein sequence and biophysical properties (such as structural, functional, and spatial information, amino acid conservation, physicochemical variation, residue mobility, and thermodynamic stability) performed at Invitae indicates that this missense variant is not expected to disrupt DYSF protein function. In summary, the available evidence is currently insufficient to determine the role of this variant in disease. Therefore, it has been classified as a Variant of Uncertain Significance.

Natera, Inc.
Classification: Uncertain significance for Limb-girdle muscular dystrophy type 2B. Last evaluated: 2020-02-21. Review status: no assertion criteria provided. Collection method: clinical testing. Allele origin: germline. Not counted in ClinVar's aggregate classification.

NM_001130987.2(DYSF):c.5336A>G (p.Asn1779Ser)

Gene: DYSF (dysferlin; plus strand). Cytogenetic location: 2p13.2.
Variant type: single nucleotide variant.
Coding change: c.5336A>G on transcript NM_001130987.2 (MANE Select); coding-DNA position 5336, A replaced by G.
Protein change: p.Asn1779Ser; replaces asparagine 1779 with serine.
Molecular consequence: missense variant.
Genome position (GRCh38, 1-based): chr2:71,667,394, A>G. VCF-style: chr2-71667394-A-G. GRCh37 (hg19) VCF-style: chr2-71894524-A-G.
Other names: c.5180A>G, p.Asn1727Ser (NM_001130986.2); c.5219A>G, p.Asn1740Ser (NM_003494.4); c.5222A>G, p.Asn1741Ser (NM_001130455.2); c.5177A>G, p.Asn1726Ser (NM_001130976.2); c.5240A>G, p.Asn1747Ser (NM_001130977.2); c.5282A>G, p.Asn1761Ser (NM_001130978.2); c.5312A>G, p.Asn1771Ser (NM_001130979.2); c.5270A>G, p.Asn1757Ser (NM_001130980.2); and 5 more; short protein forms N1726S, N1727S, N1741S, N1747S, N1758S, N1761S, N1762S, N1771S.
Identifiers: ClinVar variation 655046 (VCV000655046.9), dbSNP rs1573078295, ClinGen allele CA347221246.